The following is an entry in ClinVar:

ClinVar aggregate classification (germline): Likely benign (1 of 4 stars; one submission).

gnomAD v4.1: 1 of 1,614,108 alleles (0.000062%); highest among the groups gnomAD compares: Non-Finnish European, 0.000085%; no homozygotes.

Submission:

CeGaT Center for Human Genetics Tuebingen
Classification: Likely benign. Last evaluated: 2025-05-01. Review status: criteria provided, single submitter. Criteria: CeGaT Center For Human Genetics Tuebingen Variant Classification Criteria Version 2. Collection method: clinical testing. Allele origin: germline. Affected: yes. Observed: 1 variant allele.
Comment: TUBGCP4: BP4, BP7

NM_014444.5(TUBGCP4):c.1374A>G (p.Val458=)

Gene: TUBGCP4 (tubulin gamma complex component 4; plus strand). Cytogenetic location: 15q15.3.
Variant type: single nucleotide variant.
Coding change: c.1374A>G on transcript NM_014444.5 (MANE Select); coding-DNA position 1374, A replaced by G.
Protein change: p.Val458=; no amino-acid change (valine 458 retained).
Molecular consequence: synonymous variant.
Genome position (GRCh38, 1-based): chr15:43,398,135, A>G. VCF-style: chr15-43398135-A-G. GRCh37 (hg19) VCF-style: chr15-43690333-A-G.
Other names: c.1377A>G, p.Val459= (NM_001286414.3).
Identifiers: ClinVar variation 3905904 (VCV003905904.10).